The following is an entry in ClinVar:

ClinVar aggregate classification (germline): Uncertain significance (1 of 4 stars; one submission).

Conditions:
Inborn genetic diseases. Identifiers: MedGen C0950123, MeSH D030342.

gnomAD v4.1: 1 of 1,613,680 alleles (0.000062%); highest among the groups gnomAD compares: Non-Finnish European, 0.000085%; no homozygotes.

Submission:

Ambry Genetics
Classification: Uncertain significance for Inborn genetic diseases. Last evaluated: 2025-06-20. Review status: criteria provided, single submitter. Criteria: Ambry Variant Classification Scheme 2023. Collection method: clinical testing. Allele origin: germline.
Comment: The p.D958E variant (also known as c.2874C>A), located in coding exon 1 of the SAMD9 gene, results from a C to A substitution at nucleotide position 2874. The aspartic acid at codon 958 is replaced by glutamic acid, an amino acid with highly similar properties. This amino acid position is conserved. In addition, this alteration is predicted to be tolerated by in silico analysis. Based on the available evidence, the clinical significance of this variant remains unclear.

NM_017654.4(SAMD9):c.2874C>A (p.Asp958Glu)

Gene: SAMD9 (sterile alpha motif domain containing 9; minus strand). Cytogenetic location: 7q21.2.
Variant type: single nucleotide variant.
Coding change: c.2874C>A on transcript NM_017654.4 (MANE Select); coding-DNA position 2874, C replaced by A.
Protein change: p.Asp958Glu; replaces aspartic acid 958 with glutamic acid.
Molecular consequence: missense variant.
Genome position (GRCh38, 1-based): chr7:93,103,224, G>T on the plus strand (C>A on the coding strand, the complement: SAMD9 is on the minus strand). VCF-style: chr7-93103224-G-T. GRCh37 (hg19) VCF-style: chr7-92732537-G-T.
Other names: c.2874C>A, p.Asp958Glu (NM_001193307.2); short protein forms D958E.
Identifiers: ClinVar variation 4159021 (VCV004159021.1).